The following is an entry in ClinVar:

ClinVar aggregate classification (germline): Pathogenic/Likely pathogenic. Review status: criteria provided, multiple submitters, no conflicts (2 of 4 stars). 2 submissions from 2 submitters: Pathogenic (1); Likely pathogenic (1). Last evaluated 2025-12-03.

Conditions:
Congenital stationary night blindness. Also called: Early-onset non-progressive night blindness. Identifiers: Orphanet 215, MedGen C0339535, MONDO:0016293, HP:0007642.

Allele frequency attached by ClinVar (database versions not stated): gnomAD exomes below 0.00001 and 0.00001; TOPMed below 0.00001; ExAC 0.00001; gnomAD 0.00001.
gnomAD v4.1: 6 of 1,613,998 alleles (0.00037%); highest among the groups gnomAD compares: Non-Finnish European, 0.00051%; no homozygotes.

Submissions (2):

Labcorp Genetics (formerly Invitae), Labcorp
Classification: Pathogenic. Last evaluated: 2025-12-03. Review status: criteria provided, single submitter. Criteria: Invitae Variant Classification Sherloc (09022015). Collection method: clinical testing. Allele origin: germline.
Comment: This sequence change creates a premature translational stop signal (p.Gln681*) in the GRM6 gene. It is expected to result in an absent or disrupted protein product. Loss-of-function variants in GRM6 are known to be pathogenic (PMID: 15781871, 16622103, 22008250). This variant is present in population databases (rs769355168, gnomAD 0.003%). This variant has not been reported in the literature in individuals affected with GRM6-related conditions. ClinVar contains an entry for this variant (Variation ID: 852296). For these reasons, this variant has been classified as Pathogenic.

Laboratory for Molecular Medicine, Mass General Brigham Personalized Medicine
Classification: Likely pathogenic for Congenital stationary night blindness. Last evaluated: 2023-12-04. Review status: criteria provided, single submitter. Criteria: ACMG Guidelines, 2015. Collection method: clinical testing. Allele origin: germline. Inheritance: Autosomal recessive inheritance.
Comment: The p.Gln681X variant in GRM6 has not been previously reported in individuals in the literature with GRM6-associated retinopathy but has been reported by other clinical laboratories in ClinVar (Variation ID 852296). It has also been identified in 0.001% (1/68042) of European chromosomes by gnomAD (v.3.1.2). This nonsense variant leads to a premature termination codon at position 681, which is predicted to lead to a truncated or absent protein. Biallelic loss of function of the GRM6 gene is have been shown to cause autosomal recessive congenital stationary night blindness (Dryja 2005 PMID: 15781871, O'Connor 2006 PMID: 16622103, Sergouniotis 2012 PMID: 22008250). In summary, although additional studies are required to fully establish its clinical significance, this variant meets criteria to be classified as likely pathogenic for autosomal recessive GRM6-associated retinopathy such as congenital stationary night blindness. ACMG/AMP Criteria applied: PVS1, PM2_Supporting.

Literature cited by the submitters: PubMed 15781871 (cited by Labcorp Genetics (formerly Invitae), Labcorp and Laboratory for Molecular Medicine, Mass General Brigham Personalized Medicine); PubMed 16622103 (cited by Labcorp Genetics (formerly Invitae), Labcorp and Laboratory for Molecular Medicine, Mass General Brigham Personalized Medicine); PubMed 22008250 (cited by Labcorp Genetics (formerly Invitae), Labcorp and Laboratory for Molecular Medicine, Mass General Brigham Personalized Medicine).

NM_000843.4(GRM6):c.2041C>T (p.Gln681Ter)

Genes: GRM6 (glutamate metabotropic receptor 6; minus strand), ZNF454 (zinc finger protein 454; plus strand). Cytogenetic location: 5q35.3.
Variant type: single nucleotide variant.
Coding change: c.2041C>T on transcript NM_000843.4 (MANE Select); coding-DNA position 2041, C replaced by T.
Protein change: p.Gln681Ter; replaces glutamine 681 with a stop codon.
Molecular consequence: nonsense.
Genome position (GRCh38, 1-based): chr5:178,986,213, G>A on the plus strand (C>T on the coding strand, the complement: GRM6 is on the minus strand). VCF-style: chr5-178986213-G-A. GRCh37 (hg19) VCF-style: chr5-178413214-G-A.
Other names: short protein forms Q681*.
Identifiers: ClinVar variation 852296 (VCV000852296.8), dbSNP rs769355168, ClinGen allele CA3593850.